The following is an entry in ClinVar:

NM_000301.5(PLG):c.1977G>C (p.Leu659Phe)

Gene: PLG (plasminogen; plus strand). Cytogenetic location: 6q26.
Variant type: single nucleotide variant.
Coding change: c.1977G>C on transcript NM_000301.5 (MANE Select); coding-DNA position 1977, G replaced by C.
Protein change: p.Leu659Phe; replaces leucine 659 with phenylalanine.
Molecular consequence: missense variant.
Genome position (GRCh38, 1-based): chr6:160,739,167, G>C. VCF-style: chr6-160739167-G-C. GRCh37 (hg19) VCF-style: chr6-161160199-G-C.
Other names: short protein forms L659F.
Identifiers: ClinVar variation 1970902 (VCV001970902.5), dbSNP rs2484397612, ClinGen allele CA366365484.

ClinVar aggregate classification (germline): Uncertain significance (1 of 4 stars; one submission).

Submission:

Labcorp Genetics (formerly Invitae), Labcorp
Classification: Uncertain significance. Last evaluated: 2022-08-09. Review status: criteria provided, single submitter. Criteria: Invitae Variant Classification Sherloc (09022015). Collection method: clinical testing. Allele origin: germline.
Comment: In summary, the available evidence is currently insufficient to determine the role of this variant in disease. Therefore, it has been classified as a Variant of Uncertain Significance. Advanced modeling of protein sequence and biophysical properties (such as structural, functional, and spatial information, amino acid conservation, physicochemical variation, residue mobility, and thermodynamic stability) performed at Invitae indicates that this missense variant is not expected to disrupt PLG protein function. This variant has not been reported in the literature in individuals affected with PLG-related conditions. This variant is not present in population databases (gnomAD no frequency). This sequence change replaces leucine, which is neutral and non-polar, with phenylalanine, which is neutral and non-polar, at codon 659 of the PLG protein (p.Leu659Phe).